The following is an entry in ClinVar:

NM_006496.4(GNAI3):c.400G>A (p.Gly134Ser)

Gene: GNAI3 (G protein subunit alpha i3; plus strand). Cytogenetic location: 1p13.3.
Variant type: single nucleotide variant.
Coding change: c.400G>A on transcript NM_006496.4 (MANE Select); coding-DNA position 400, G replaced by A.
Protein change: p.Gly134Ser; replaces glycine 134 with serine.
Molecular consequence: missense variant.
Genome position (GRCh38, 1-based): chr1:109,579,300, G>A. VCF-style: chr1-109579300-G-A. GRCh37 (hg19) VCF-style: chr1-110121922-G-A.
Other names: c.400G>A (NM_006496.2, NM_006496.3); short protein forms G134S.
Identifiers: ClinVar variation 1080250 (VCV001080250.7), dbSNP rs142294586, ClinGen allele CA992061.
Genomic context (GRCh38, chr1:109,579,300, plus strand): 5'-GCTGAAGAAGGAGTCATGACTCCAGAACTAGCAGGAGTGATTAAACGGTTATGGCGAGAT[G>A]GTGGGGTACAAGCTTGCTTCAGCAGATCCAGGGAATATCAGCTCAATGATTCTGCTTCAT-3'
Protein context (NP_006487.1, residues 124-144): AGVIKRLWRD[Gly134Ser]GVQACFSRSR

ClinVar aggregate classification (germline): Conflicting classifications of pathogenicity. Review status: criteria provided, conflicting classifications (1 of 4 stars). 3 submissions from 3 submitters: Uncertain significance (1); Likely benign (2). Last evaluated 2025-08-07.

Conditions:
Inborn genetic diseases. Identifiers: MedGen C0950123, MeSH D030342.
GNAI3-related disorder. Also called: GNAI3-related condition.

Allele frequency attached by ClinVar (database versions not stated): gnomAD exomes 0.00002 and 0.00008; ExAC 0.00007; 1000 Genomes Project 30x 0.00016; 1000 Genomes Project 0.00020; ESP Exome Variant Server 0.00023; gnomAD 0.00027 and 0.00031; TOPMed 0.00028.
gnomAD v4.1: 76 of 1,613,640 alleles (0.0047%); highest among the groups gnomAD compares: African/African-American, 0.085%; no homozygotes.

Submissions (3):

PreventionGenetics, part of Exact Sciences
Classification: Likely benign for GNAI3-related condition. Last evaluated: 2025-08-07. Review status: criteria provided, single submitter. Criteria: ACMG Guidelines, 2015. Collection method: clinical testing. Allele origin: germline.
Comment: This variant is classified as likely benign based on ACMG/AMP sequence variant interpretation guidelines (Richards et al. 2015 PMID: 25741868, with internal and published modifications).

Ambry Genetics
Classification: Uncertain significance for Inborn genetic diseases. Last evaluated: 2021-10-05. Review status: criteria provided, single submitter. Criteria: Ambry Variant Classification Scheme 2023. Collection method: clinical testing. Allele origin: germline.

Labcorp Genetics (formerly Invitae), Labcorp
Classification: Likely benign. Last evaluated: 2019-12-07. Review status: criteria provided, single submitter. Criteria: Invitae Variant Classification Sherloc (09022015). Collection method: clinical testing. Allele origin: germline.